The following is an entry in ClinVar:

NM_015559.3(SETBP1):c.757G>T (p.Ala253Ser)

Gene: SETBP1 (SET binding protein 1; plus strand). Cytogenetic location: 18q12.3.
Variant type: single nucleotide variant.
Coding change: c.757G>T on transcript NM_015559.3 (MANE Select); coding-DNA position 757, G replaced by T.
Protein change: p.Ala253Ser; replaces alanine 253 with serine.
Molecular consequence: missense variant.
Genome position (GRCh38, 1-based): chr18:44,950,097, G>T. VCF-style: chr18-44950097-G-T. GRCh37 (hg19) VCF-style: chr18-42530062-G-T.
Other names: c.757G>T (NM_015559.2); c.757G>T, p.Ala253Ser (NM_001379141.1, NM_001379142.1, NM_001410862.1); short protein forms A253S.
Identifiers: ClinVar variation 2777100 (VCV002777100.4), dbSNP rs149472556, ClinGen allele CA402316775.

ClinVar aggregate classification (germline): Uncertain significance. Review status: criteria provided, multiple submitters, no conflicts (2 of 4 stars). 2 submissions from 2 submitters: Uncertain significance (2). Last evaluated 2024-11-15.

gnomAD v4.1: 1 of 1,614,112 alleles (0.000062%); highest among the groups gnomAD compares: Non-Finnish European, 0.000085%; no homozygotes.

Submissions (2):

GeneDx
Classification: Uncertain significance. Last evaluated: 2024-11-15. Review status: criteria provided, single submitter. Criteria: GeneDx Variant Classification Process June 2021. Collection method: clinical testing. Allele origin: germline. Affected: yes.
Comment: Not observed at significant frequency in large population cohorts (gnomAD); In silico analysis indicates that this missense variant does not alter protein structure/function; Has not been previously published as pathogenic or benign to our knowledge

Labcorp Genetics (formerly Invitae), Labcorp
Classification: Uncertain significance. Last evaluated: 2023-12-11. Review status: criteria provided, single submitter. Criteria: Invitae Variant Classification Sherloc (09022015). Collection method: clinical testing. Allele origin: germline.
Comment: This sequence change replaces alanine, which is neutral and non-polar, with serine, which is neutral and polar, at codon 253 of the SETBP1 protein (p.Ala253Ser). This variant is not present in population databases (gnomAD no frequency). This variant has not been reported in the literature in individuals affected with SETBP1-related conditions. Advanced modeling of protein sequence and biophysical properties (such as structural, functional, and spatial information, amino acid conservation, physicochemical variation, residue mobility, and thermodynamic stability) performed at Invitae indicates that this missense variant is not expected to disrupt SETBP1 protein function with a negative predictive value of 80%. In summary, the available evidence is currently insufficient to determine the role of this variant in disease. Therefore, it has been classified as a Variant of Uncertain Significance.